The following is an entry in ClinVar:

ClinVar aggregate classification (germline): Uncertain significance (1 of 4 stars; one submission).

gnomAD v4.1: 38 of 1,611,306 alleles (0.0024%); highest among the groups gnomAD compares: Middle Eastern, 0.017%; no homozygotes.

Submission:

Labcorp Genetics (formerly Invitae), Labcorp
Classification: Uncertain significance. Last evaluated: 2025-07-10. Review status: criteria provided, single submitter. Criteria: Invitae Variant Classification Sherloc (09022015). Collection method: clinical testing. Allele origin: germline.
Comment: This sequence change replaces arginine, which is basic and polar, with glutamine, which is neutral and polar, at codon 697 of the HR protein (p.Arg697Gln). This variant is present in population databases (rs182130564, gnomAD 0.01%). This variant has not been reported in the literature in individuals affected with HR-related conditions. ClinVar contains an entry for this variant (Variation ID: 3709547). An algorithm developed to predict the effect of missense changes on protein structure and function outputs the following: PolyPhen-2: "Benign". The glutamine amino acid residue is found in multiple mammalian species, which suggests that this missense change does not adversely affect protein function. Algorithms developed to predict the effect of sequence changes on RNA splicing suggest that this variant may disrupt the consensus splice site. In summary, the available evidence is currently insufficient to determine the role of this variant in disease. Therefore, it has been classified as a Variant of Uncertain Significance.

NM_005144.5(HR):c.2090G>A (p.Arg697Gln)

Gene: HR (HR lysine demethylase and nuclear receptor corepressor; minus strand). Cytogenetic location: 8p21.3.
Variant type: single nucleotide variant.
Coding change: c.2090G>A on transcript NM_005144.5 (MANE Select); coding-DNA position 2090, G replaced by A.
Protein change: p.Arg697Gln; replaces arginine 697 with glutamine.
Molecular consequence: missense variant.
Genome position (GRCh38, 1-based): chr8:22,122,524, C>T on the plus strand (G>A on the coding strand, the complement: HR is on the minus strand). VCF-style: chr8-22122524-C-T. GRCh37 (hg19) VCF-style: chr8-21980037-C-T.
Other names: c.2090G>A, p.Arg697Gln (NM_018411.4); short protein forms R697Q.
Identifiers: ClinVar variation 3709547 (VCV003709547.2).